The following is an entry in ClinVar:

ClinVar aggregate classification (germline): Likely benign. Review status: criteria provided, multiple submitters, no conflicts (2 of 4 stars). 3 submissions from 3 submitters: Likely benign (2). 1 of the submissions does not count toward it. Last evaluated 2025-11-26.

Conditions:
POMT1-related disorder. Also called: POMT1-related disorders; POMT1-related condition.
Autosomal recessive limb-girdle muscular dystrophy type 2K. Also called: MUSCULAR DYSTROPHY-DYSTROGLYCANOPATHY (LIMB-GIRDLE), TYPE C, 1; MUSCULAR DYSTROPHY, LIMB-GIRDLE, TYPE 2K. Identifiers: Orphanet 86812, MedGen C1836373, MONDO:0012248, OMIM 609308.
Muscular dystrophy-dystroglycanopathy (congenital with impaired intellectual development), type B, 1. Also called: Muscular dystrophy-dystroglycanopathy (congenital with intellectual disability), type B1; MUSCULAR DYSTROPHY, CONGENITAL, POMT1-RELATED. Identifiers: MedGen C5436962, MONDO:0013159, OMIM 613155.
Walker-Warburg congenital muscular dystrophy. Also called: Muscular dystrophy-dystroglycanopathy, type A; Walker-Warburg syndrome. Identifiers: Orphanet 899, MedGen C0265221, MONDO:0000171.

Allele frequency attached by ClinVar (database versions not stated): gnomAD exomes 0.00001 and below 0.00001; TOPMed 0.00001; gnomAD 0.00001.

Submissions (3):

Labcorp Genetics (formerly Invitae), Labcorp
Classification: Likely benign for Muscular dystrophy-dystroglycanopathy (congenital with impaired intellectual development), type B, 1; Walker-Warburg congenital muscular dystrophy; Autosomal recessive limb-girdle muscular dystrophy type 2K. Last evaluated: 2025-11-26. Review status: criteria provided, single submitter. Criteria: Invitae Variant Classification Sherloc (09022015). Collection method: clinical testing. Allele origin: germline.

Blueprint Genetics
Classification: Likely benign. Last evaluated: 2024-11-15. Review status: criteria provided, single submitter. Criteria: ACMG Guidelines, 2015. Collection method: clinical testing. Allele origin: germline.

PreventionGenetics, part of Exact Sciences
Classification: Likely benign for POMT1-related condition. Last evaluated: 2022-12-01. Review status: no assertion criteria provided. Collection method: clinical testing. Allele origin: germline. Not counted in ClinVar's aggregate classification.
Comment: This variant is classified as likely benign based on ACMG/AMP sequence variant interpretation guidelines (Richards et al. 2015 PMID: 25741868, with internal and published modifications).

NM_001077365.2(POMT1):c.1068A>G (p.Val356=)

Gene: POMT1 (protein O-mannosyltransferase 1; plus strand). Cytogenetic location: 9q34.13.
Variant type: single nucleotide variant.
Coding change: c.1068A>G on transcript NM_001077365.2 (MANE Select); coding-DNA position 1068, A replaced by G.
Protein change: p.Val356=; no amino-acid change (valine 356 retained).
Molecular consequence: synonymous variant. On other transcripts: non-coding transcript variant (10), intron variant (1).
Genome position (GRCh38, 1-based): chr9:131,512,122, A>G. VCF-style: chr9-131512122-A-G. GRCh37 (hg19) VCF-style: chr9-134387509-A-G.
Other names: c.906A>G, p.Val302= (NM_001077366.2, NM_001353194.2); c.1068A>G, p.Val356= (NM_001136113.2, NM_001374690.1); c.717A>G, p.Val239= (NM_001136114.2, NM_001353195.2, NM_001374691.1 and 1 more transcripts); c.1134A>G, p.Val378= (NM_001353193.2, NM_007171.4); c.978A>G, p.Val326= (NM_001353196.2); c.972A>G, p.Val324= (NM_001353197.2, NM_001353198.2); c.783A>G, p.Val261= (NM_001353199.2); c.612A>G, p.Val204= (NM_001353200.2); and 3 more.
Identifiers: ClinVar variation 471372 (VCV000471372.12), dbSNP rs1280401262, ClinGen allele CA467422038.